The following is an entry in ClinVar:

ClinVar aggregate classification (germline): Pathogenic/Likely pathogenic. Review status: criteria provided, multiple submitters, no conflicts (2 of 4 stars). 3 submissions from 3 submitters: Pathogenic (1); Likely pathogenic (2). Last evaluated 2025-09-29.

Conditions:
Glycine encephalopathy. Also called: Non-ketotic hyperglycinemia; Nonketotic hyperglycinemia. Identifiers: Orphanet 407, MedGen C0751748, MONDO:0011612, HP:0008288.

Allele frequency attached by ClinVar (database versions not stated): ESP Exome Variant Server 0.00015; gnomAD 0.00001; gnomAD exomes 0.00001; ExAC 0.00002; TOPMed 0.00002.
gnomAD v4.1: 2 of 1,614,026 alleles (0.00012%); highest among the groups gnomAD compares: African/African-American, 0.0027%; no homozygotes.

Submissions (3):

Women's Health and Genetics/Laboratory Corporation of America, LabCorp
Classification: Likely pathogenic for Glycine encephalopathy. Last evaluated: 2025-09-29. Review status: criteria provided, single submitter. Criteria: LabCorp Variant Classification Summary - May 2015. Collection method: clinical testing. Allele origin: germline.
Comment: Variant summary: GLDC c.1317G>T (p.Lys439Asn) results in a non-conservative amino acid change located in the Glycine cleavage system P-protein domain (IPR049315) of the encoded protein sequence. Algorithms developed to predict the effect of missense changes on protein structure and function all suggest that this variant is likely to be disruptive. The variant allele was found at a frequency of 8e-06 in 251440 control chromosomes. c.1317G>T has been observed in the compound heterozygous state in individuals affected with Glycine Encephalopathy (Non-Ketotic Hyperglycinemia) (Coughlin_2017). These data indicate that the variant may be associated with disease. To our knowledge, no experimental evidence demonstrating an impact on protein function has been reported. The following publications have been ascertained in the context of this evaluation (PMID: 27362913, 26179960). ClinVar contains an entry for this variant (Variation ID: 654803). Based on the evidence outlined above, the variant was classified as likely pathogenic.

Labcorp Genetics (formerly Invitae), Labcorp
Classification: Pathogenic for Glycine encephalopathy. Last evaluated: 2023-02-05. Review status: criteria provided, single submitter. Criteria: Invitae Variant Classification Sherloc (09022015). Collection method: clinical testing. Allele origin: germline.
Comment: For these reasons, this variant has been classified as Pathogenic. This sequence change replaces lysine, which is basic and polar, with asparagine, which is neutral and polar, at codon 439 of the GLDC protein (p.Lys439Asn). This variant is present in population databases (rs151163582, gnomAD 0.007%). This missense change has been observed in individual(s) with glycine encephalopathy (PMID: 26179960, 27362913). In at least one individual the data is consistent with being in trans (on the opposite chromosome) from a pathogenic variant. ClinVar contains an entry for this variant (Variation ID: 654803). Advanced modeling of protein sequence and biophysical properties (such as structural, functional, and spatial information, amino acid conservation, physicochemical variation, residue mobility, and thermodynamic stability) performed at Invitae indicates that this missense variant is not expected to disrupt GLDC protein function. Algorithms developed to predict the effect of sequence changes on RNA splicing suggest that this variant may create or strengthen a splice site.

New York Genome Center
Classification: Likely pathogenic for Glycine encephalopathy 1. Last evaluated: 2020-06-05. Review status: criteria provided, single submitter. Criteria: NYGC Assertion Criteria 2020. Collection method: clinical testing. Allele origin: germline. Observed: 1 heterozygote. Study: CSER-NYCKidSeq.

Literature cited by the submitters: PubMed 26179960 (cited by Women's Health and Genetics/Laboratory Corporation of America, LabCorp and Labcorp Genetics (formerly Invitae), Labcorp); PubMed 27362913 (cited by Women's Health and Genetics/Laboratory Corporation of America, LabCorp and Labcorp Genetics (formerly Invitae), Labcorp).

NM_000170.3(GLDC):c.1317G>T (p.Lys439Asn)

Gene: GLDC (glycine decarboxylase; minus strand). Cytogenetic location: 9p24.1.
Variant type: single nucleotide variant.
Coding change: c.1317G>T on transcript NM_000170.3 (MANE Select); coding-DNA position 1317, G replaced by T.
Protein change: p.Lys439Asn; replaces lysine 439 with asparagine.
Molecular consequence: missense variant.
Genome position (GRCh38, 1-based): chr9:6,592,935, C>A on the plus strand (G>T on the coding strand, the complement: GLDC is on the minus strand). VCF-style: chr9-6592935-C-A. GRCh37 (hg19) VCF-style: chr9-6592935-C-A.
Other names: short protein forms K439N.
Identifiers: ClinVar variation 654803 (VCV000654803.16), dbSNP rs151163582, ClinGen allele CA4980765.
Genomic context (GRCh38, chr9:6,592,935, plus strand): 5'-ATTGATCTGCCGCTGAGCGGCCCTGCCCAAGACCTCCTTCACTGAGCAGCCACACTGAAT[C>A]TTCAAGGTATCAAAGAACAGGTCATGCTGGAGTTGATGCCCTGCTCGCTTGAGACCTACA-3'
Protein context (NP_000161.2, residues 429-449): LQHDLFFDTL[Lys439Asn]IQCGCSVKEV